The following is an entry in ClinVar:

NM_054012.4(ASS1):c.175-16G>T

Gene: ASS1 (argininosuccinate synthase 1; plus strand). Cytogenetic location: 9q34.11.
Variant type: single nucleotide variant.
Coding change: c.175-16G>T on transcript NM_054012.4 (MANE Select); 16 bases into the intron before coding-DNA position 175, G replaced by T.
Molecular consequence: intron variant.
Genome position (GRCh38, 1-based): chr9:130,458,385, G>T. VCF-style: chr9-130458385-G-T. GRCh37 (hg19) VCF-style: chr9-133333772-G-T.
Other names: c.175-16G>T (NM_000050.4).
Identifiers: ClinVar variation 518136 (VCV000518136.10), dbSNP rs373936572, ClinGen allele CA5283186.
Genomic context (GRCh38, chr9:130,458,385, plus strand): 5'-GAGGCCCCTGGGGCTCTGTATGCCAGATGGCCCCTGTCCTTGCCTACTTCTTCCTTCTGG[G>T]CTCCTCTTCCCGTAGGTGTTCATTGAGGATGTCAGCAGGGAGTTTGTGGAGGAGTTCATC-3'

ClinVar aggregate classification (germline): Likely benign. Review status: criteria provided, multiple submitters, no conflicts (2 of 4 stars). 3 submissions from 3 submitters: Likely benign (2). 1 of the submissions does not count toward it. Last evaluated 2026-01-18.

Conditions:
Citrullinemia. Identifiers: Orphanet 187, MedGen C0175683, MONDO:0015991.
Citrullinemia type I (CTNL1). Also called: ASS DEFICIENCY; argininosuccinate synthetase deficiency. Identifiers: Orphanet 247525, MedGen C4721769, MONDO:0008988, OMIM 215700.

Allele frequency attached by ClinVar (database versions not stated): gnomAD exomes 0.00005 and 0.00011; ExAC 0.00014; 1000 Genomes Project 0.00040; TOPMed 0.00040; gnomAD 0.00043 and 0.00045; 1000 Genomes Project 30x 0.00047; ESP Exome Variant Server 0.00069.
gnomAD v4.1: 134 of 1,611,996 alleles (0.0083%); highest among the groups gnomAD compares: African/African-American, 0.17%; no homozygotes.

Submissions (3):

Labcorp Genetics (formerly Invitae), Labcorp
Classification: Likely benign for Citrullinemia. Last evaluated: 2026-01-18. Review status: criteria provided, single submitter. Criteria: Invitae Variant Classification Sherloc (09022015). Collection method: clinical testing. Allele origin: germline.

GeneDx
Classification: Likely benign. Last evaluated: 2017-06-22. Review status: criteria provided, single submitter. Criteria: GeneDx Variant Classification (06012015). Collection method: clinical testing. Allele origin: germline. Affected: yes.
Comment: This variant is considered likely benign or benign based on one or more of the following criteria: it is a conservative change, it occurs at a poorly conserved position in the protein, it is predicted to be benign by multiple in silico algorithms, and/or has population frequency not consistent with disease.

Counsyl
Classification: Uncertain significance for Citrullinemia type I. Last evaluated: 2017-02-14. Review status: no assertion criteria provided. Collection method: clinical testing. Allele origin: unknown. Not counted in ClinVar's aggregate classification.